The following is an entry in ClinVar:

ClinVar aggregate classification (germline): Uncertain significance (1 of 4 stars; one submission).

Submission:

Labcorp Genetics (formerly Invitae), Labcorp
Classification: Uncertain significance. Last evaluated: 2023-04-17. Review status: criteria provided, single submitter. Criteria: Invitae Variant Classification Sherloc (09022015). Collection method: clinical testing. Allele origin: germline.
Comment: This variant has not been reported in the literature in individuals affected with MOCS3-related conditions. In summary, the available evidence is currently insufficient to determine the role of this variant in disease. Therefore, it has been classified as a Variant of Uncertain Significance. An algorithm developed to predict the effect of missense changes on protein structure and function (PolyPhen-2) suggests that this variant is likely to be tolerated. This variant is not present in population databases (gnomAD no frequency). This sequence change replaces alanine, which is neutral and non-polar, with threonine, which is neutral and polar, at codon 138 of the MOCS3 protein (p.Ala138Thr).

NM_014484.5(MOCS3):c.412G>A (p.Ala138Thr)

Gene: MOCS3 (molybdenum cofactor synthesis 3; plus strand). Cytogenetic location: 20q13.13.
Variant type: single nucleotide variant.
Coding change: c.412G>A on transcript NM_014484.5 (MANE Select); coding-DNA position 412, G replaced by A.
Protein change: p.Ala138Thr; replaces alanine 138 with threonine.
Molecular consequence: missense variant.
Genome position (GRCh38, 1-based): chr20:50,959,254, G>A. VCF-style: chr20-50959254-G-A. GRCh37 (hg19) VCF-style: chr20-49575791-G-A.
Other names: short protein forms A138T.
Identifiers: ClinVar variation 2794119 (VCV002794119.3), dbSNP rs2515743584, ClinGen allele CA408982971.